The following is an entry in ClinVar:

ClinVar aggregate classification (germline): Pathogenic/Likely pathogenic. Review status: criteria provided, multiple submitters, no conflicts (2 of 4 stars). 2 submissions from 2 submitters: Pathogenic (1); Likely pathogenic (1). Last evaluated 2024-05-29.

Conditions:
Multiple sulfatase deficiency (MSD). Also called: Mucosulfatidosis; Multiple Sulfatase Deficiency Disease; Sulfatidosis, Juvenile, Austin Type. Identifiers: Orphanet 585, MedGen C0268263, MONDO:0010088, OMIM 272200.

Submissions (2):

Natera, Inc.
Classification: Likely pathogenic for Multiple sulfatase deficiency. Last evaluated: 2024-05-29. Review status: criteria provided, single submitter. Criteria: Natera Variant Classification Schema (03/2026). Collection method: clinical testing. Allele origin: germline.
Comment: The c.537G>A variant in SUMF1 is a nonsense variant predicted to introduce a stop codon at amino acid 179. This variant is expected to result in nonsense mediated decay, truncation, or a dysfunctional protein product. This variant is rare in the general population with a frequency below the threshold expected for the associated phenotype(s). Given the available evidence, this variant is classified as Likely Pathogenic.

Labcorp Genetics (formerly Invitae), Labcorp
Classification: Pathogenic for Multiple sulfatase deficiency. Last evaluated: 2021-05-08. Review status: criteria provided, single submitter. Criteria: Invitae Variant Classification Sherloc (09022015). Collection method: clinical testing. Allele origin: germline.
Comment: This sequence change creates a premature translational stop signal (p.Trp179*) in the SUMF1 gene. It is expected to result in an absent or disrupted protein product. Loss-of-function variants in SUMF1 are known to be pathogenic (PMID: 12757705, 12757706, 25885655). This variant is not present in population databases (ExAC no frequency). This variant has not been reported in the literature in individuals with SUMF1-related conditions. For these reasons, this variant has been classified as Pathogenic.

Literature cited by the submitters: PubMed 12757705 (cited by Labcorp Genetics (formerly Invitae), Labcorp); PubMed 12757706 (cited by Labcorp Genetics (formerly Invitae), Labcorp); PubMed 25885655 (cited by Labcorp Genetics (formerly Invitae), Labcorp).

NM_182760.4(SUMF1):c.537G>A (p.Trp179Ter)

Gene: SUMF1 (sulfatase modifying factor 1; minus strand). Cytogenetic location: 3p26.1.
Variant type: single nucleotide variant.
Coding change: c.537G>A on transcript NM_182760.4 (MANE Select); coding-DNA position 537, G replaced by A.
Protein change: p.Trp179Ter; replaces tryptophan 179 with a stop codon.
Molecular consequence: nonsense.
Genome position (GRCh38, 1-based): chr3:4,420,129, C>T on the plus strand (G>A on the coding strand, the complement: SUMF1 is on the minus strand). VCF-style: chr3-4420129-C-T. GRCh37 (hg19) VCF-style: chr3-4461813-C-T.
Other names: c.462G>A, p.Trp154Ter (NM_001164674.2); c.537G>A, p.Trp179Ter (NM_001164675.2); c.537G>A (NM_182760.3); short protein forms W154*, W179*.
Identifiers: ClinVar variation 1394842 (VCV001394842.7), dbSNP rs2125042060, ClinGen allele CA351633007.